The following is an entry in ClinVar:

NM_001385641.1(SAMD11):c.2503G>T (p.Gly835Trp)

Gene: SAMD11 (sterile alpha motif domain containing 11; plus strand). Cytogenetic location: 1p36.33.
Variant type: single nucleotide variant.
Coding change: c.2503G>T on transcript NM_001385641.1 (MANE Select); coding-DNA position 2503, G replaced by T.
Protein change: p.Gly835Trp; replaces glycine 835 with tryptophan.
Molecular consequence: missense variant.
Genome position (GRCh38, 1-based): chr1:944,121, G>T. VCF-style: chr1-944121-G-T. GRCh37 (hg19) VCF-style: chr1-879501-G-T.
Other names: c.2506G>T, p.Gly836Trp (NM_001385640.1); c.2014G>T, p.Gly672Trp (NM_152486.4); short protein forms G836W, G835W, G672W.
Identifiers: ClinVar variation 1474540 (VCV001474540.8), dbSNP rs780701540, ClinGen allele CA16728829.
Genomic context (GRCh38, chr1:944,121, plus strand): 5'-CACGCCCTTGCCGGTCAAACTTCACCCAAGCAGGAGAATGGGACCTTGGCTCTACTTCCA[G>T]GGGCCCCCGACCCTTCCCAGCCTCTGTGTTGAGGTTGCCGGGGGTAGGGGTGGGGCCACA-3'
Protein context (NP_001372570.1, residues 825-844): QENGTLALLP[Gly835Trp]APDPSQPLC

ClinVar aggregate classification (germline): Uncertain significance (1 of 4 stars; one submission).

Submission:

Labcorp Genetics (formerly Invitae), Labcorp
Classification: Uncertain significance. Last evaluated: 2022-06-27. Review status: criteria provided, single submitter. Criteria: Invitae Variant Classification Sherloc (09022015). Collection method: clinical testing. Allele origin: germline.
Comment: In summary, the available evidence is currently insufficient to determine the role of this variant in disease. Therefore, it has been classified as a Variant of Uncertain Significance. Algorithms developed to predict the effect of missense changes on protein structure and function are either unavailable or do not agree on the potential impact of this missense change (SIFT: "Deleterious"; PolyPhen-2: "Probably Damaging"; Align-GVGD: "Class C0"). This variant has not been reported in the literature in individuals affected with SAMD11-related conditions. This variant is not present in population databases (gnomAD no frequency). This sequence change replaces glycine, which is neutral and non-polar, with tryptophan, which is neutral and slightly polar, at codon 672 of the SAMD11 protein (p.Gly672Trp).